The following is an entry in ClinVar:

NM_206933.4(USH2A):c.5003G>C (p.Gly1668Ala)

Genes: USH2A (usherin; minus strand), USH2A-AS2 (USH2A antisense RNA 2; plus strand). Cytogenetic location: 1q41.
Variant type: single nucleotide variant.
Coding change: c.5003G>C on transcript NM_206933.4 (MANE Select); coding-DNA position 5003, G replaced by C.
Protein change: p.Gly1668Ala; replaces glycine 1668 with alanine.
Molecular consequence: missense variant.
Genome position (GRCh38, 1-based): chr1:216,084,862, C>G on the plus strand (G>C on the coding strand, the complement: USH2A is on the minus strand). VCF-style: chr1-216084862-C-G. GRCh37 (hg19) VCF-style: chr1-216258204-C-G.
Other names: short protein forms G1668A.
Identifiers: ClinVar variation 1715614 (VCV001715614.5), dbSNP rs1265349835, ClinGen allele CA344859333.
Genomic context (GRCh38, chr1:216,084,862, plus strand): 5'-CAAATAGCTGACGGATTGTAATTCTTCATAAAATGTACATCCTTGAGACAGCCCACAAAA[C>G]CTTTTTGGATTATCTCTGCAGGAGTTTATAGATATCAAGAAATATATATTTTGAAAGATT-3'
Protein context (NP_996816.3, residues 1658-1678): LRKDPEIIQK[Gly1668Ala]FVGCLKDVHF

ClinVar aggregate classification (germline): Uncertain significance (1 of 4 stars; one submission).

Submission:

Labcorp Genetics (formerly Invitae), Labcorp
Classification: Uncertain significance. Last evaluated: 2025-09-08. Review status: criteria provided, single submitter. Criteria: Invitae Variant Classification Sherloc (09022015). Collection method: clinical testing. Allele origin: germline.
Comment: This sequence change replaces glycine, which is neutral and non-polar, with alanine, which is neutral and non-polar, at codon 1668 of the USH2A protein (p.Gly1668Ala). This variant is not present in population databases (gnomAD no frequency). This variant has not been reported in the literature in individuals affected with USH2A-related conditions. ClinVar contains an entry for this variant (Variation ID: 1715614). An algorithm developed to predict the effect of missense changes on protein structure and function outputs the following: PolyPhen-2: "Benign". The alanine amino acid residue is found in multiple mammalian species, which suggests that this missense change does not adversely affect protein function. In summary, the available evidence is currently insufficient to determine the role of this variant in disease. Therefore, it has been classified as a Variant of Uncertain Significance.